The following is an entry in ClinVar:

ClinVar aggregate classification (germline): Uncertain significance (1 of 4 stars; one submission).

Submission:

Laboratory for Molecular Medicine, Mass General Brigham Personalized Medicine
Classification: Uncertain significance. Last evaluated: 2012-04-19. Review status: criteria provided, single submitter. Criteria: LMM Criteria. Collection method: clinical testing. Allele origin: germline. Observed: 4 variant alleles.
Comment: Variant classified as Uncertain Significance - Favor Pathogenic. This variant is located in the 5' splice region and computational tools do not predict altered splicing. However, this informat ion is not predictive enough to rule out pathogenicity. While the low frequency of this variant and the segregation with disease favors a pathogenic role, we ca nnot rule out that this variant may be benign. Additional segregation studies an d functional analyses are needed to fully assess the clinical significance of th is variant.

NM_000256.3(MYBPC3):c.1457+6_1457+25del

Gene: MYBPC3 (myosin binding protein C3; minus strand). Cytogenetic location: 11p11.2.
Variant type: Deletion.
Coding change: c.1457+6_1457+25del on transcript NM_000256.3 (MANE Select); bases 6 to 25 of the intron after coding-DNA position 1457, 20 bases deleted (TTCCAGAAGCACGGGGCATG).
Genome position (GRCh38, 1-based): chr11:47,342,805-47,342,824, CATGCCCCGTGCTTCTGGAA deleted on the plus strand (TTCCAGAAGCACGGGGCATG on the coding strand, the reverse complement: MYBPC3 is on the minus strand); deleting any 20 consecutive bases within chr11:47,342,805-47,342,825 gives the same sequence; the c. name uses the placement nearest the transcript's 3' end. VCF-style (leftmost placement, unchanged base first): chr11-47342804-CCATGCCCCGTGCTTCTGGAA-C. GRCh37 (hg19) VCF-style: chr11-47364355-CCATGCCCCGTGCTTCTGGAA-C.
Identifiers: ClinVar variation 164115 (VCV000164115.4), dbSNP rs727503201, ClinGen allele CA176845.